The following is an entry in ClinVar:

NM_032578.4(MYPN):c.1130+3A>C

Gene: MYPN (myopalladin; plus strand). Cytogenetic location: 10q21.3.
Variant type: single nucleotide variant.
Coding change: c.1130+3A>C on transcript NM_032578.4 (MANE Select); 3 bases into the intron after coding-DNA position 1130, A replaced by C.
Molecular consequence: intron variant.
Genome position (GRCh38, 1-based): chr10:68,145,529, A>C. VCF-style: chr10-68145529-A-C. GRCh37 (hg19) VCF-style: chr10-69905286-A-C.
Other names: p.?; c.1130+3A>C (NM_001256267.2); c.248+3A>C (NM_001256268.2).
Identifiers: ClinVar variation 950524 (VCV000950524.26), dbSNP rs770005365, ClinGen allele CA5522441.

ClinVar aggregate classification (germline): Uncertain significance. Review status: criteria provided, multiple submitters, no conflicts (2 of 4 stars). 7 submissions from 7 submitters: Uncertain significance (7). Last evaluated 2025-10-21.

Conditions:
MYPN-related disorder. Also called: MYPN-related condition.
Dilated cardiomyopathy 1KK (CMD1KK). Identifiers: Orphanet 154, Orphanet 75249, MedGen C3714995, MONDO:0014100, OMIM 615248.
MYPN-related myopathy (CMYO24). Also called: Nemaline myopathy 11, autosomal recessive. Identifiers: MedGen C4479186, MONDO:0015023, OMIM 617336.
Cardiovascular phenotype. Identifiers: MedGen CN230736.

Allele frequency attached by ClinVar (database versions not stated): gnomAD exomes 0.00001 and 0.00002; ExAC 0.00002; gnomAD 0.00003 and 0.00006; TOPMed 0.00004.
gnomAD v4.1: 30 of 1,611,804 alleles (0.0019%); highest among the groups gnomAD compares: Non-Finnish European, 0.002%; no homozygotes.

Submissions (7):

PreventionGenetics, part of Exact Sciences
Classification: Uncertain significance for MYPN-related condition. Last evaluated: 2025-10-21. Review status: criteria provided, single submitter. Criteria: ACMG Guidelines, 2015. Collection method: clinical testing. Allele origin: germline.
Comment: The MYPN c.1130+3A>C variant is predicted to interfere with splicing. To our knowledge, this variant has not been reported in the literature. This variant is reported in 0.0053% of alleles in individuals of European (Non-Finnish) descent in gnomAD. At this time, the clinical significance of this variant is uncertain due to the absence of conclusive functional and genetic evidence.

Ambry Genetics
Classification: Uncertain significance for Cardiovascular phenotype. Last evaluated: 2024-11-01. Review status: criteria provided, single submitter. Criteria: Ambry Variant Classification Scheme 2023. Collection method: clinical testing. Allele origin: germline.
Comment: The c.1130+3A>C intronic variant results from an A to C substitution 3 nucleotides after coding exon 3 in the MYPN gene. This nucleotide position is highly conserved in available vertebrate species. In silico splice site analysis predicts that this alteration will weaken the native splice donor site. Since supporting evidence is limited at this time, the clinical significance of this alteration remains unclear.

CeGaT Center for Human Genetics Tuebingen
Classification: Uncertain significance. Last evaluated: 2024-10-01. Review status: criteria provided, single submitter. Criteria: CeGaT Center For Human Genetics Tuebingen Variant Classification Criteria Version 2. Collection method: clinical testing. Allele origin: germline. Affected: yes. Observed: 1 variant allele.
Comment: MYPN: PM2:Supporting, PP3

Mayo Clinic Laboratories, Mayo Clinic
Classification: Uncertain significance. Last evaluated: 2024-06-21. Review status: criteria provided, single submitter. Criteria: ACMG Guidelines, 2015. Collection method: clinical testing. Allele origin: germline. Observed: 1 variant allele.
Comment: PP3

New York Genome Center
Classification: Uncertain significance for Dilated cardiomyopathy 1KK. Last evaluated: 2023-06-22. Review status: criteria provided, single submitter. Criteria: NYGC Assertion Criteria 2020. Collection method: clinical testing. Allele origin: germline. Observed: 1 heterozygote.
Comment: The c.1130+3A>C variant in MYPN has not previously been reported in the literature; it has been deposited in ClinVar as Variant of Uncertain Significance by multiple submitters [ClinVar ID: 950524]. The c.1130+3A>C variant is observed in 19 alleles (~0.0033% minor allele frequency with 0 homozygote) in population databases (gnomAD v2.1.1 and v3.1.2, TOPMed Freeze 8, All of Us), suggesting it is not a common benign variant in the populations represented in those databases, which might also include individuals with cardiac disorders. The c.1130+3A>C variant is located in the splice region after exon 4 of this 20-exon gene, and is predicted to affect mRNA splicing by causing loss of the native donor site (Splice AI = 0.71), which might result in exon skipping or full/partial intron retention; however, there are no functional studies to support or refute this prediction. Based on available evidence this c.1130+3A>C variant identified in MYPN is classified as a Variant of Uncertain Significance.

Labcorp Genetics (formerly Invitae), Labcorp
Classification: Uncertain significance for Dilated cardiomyopathy 1KK. Last evaluated: 2022-01-19. Review status: criteria provided, single submitter. Criteria: Invitae Variant Classification Sherloc (09022015). Collection method: clinical testing. Allele origin: germline.
Comment: This sequence change falls in intron 4 of the MYPN gene. It does not directly change the encoded amino acid sequence of the MYPN protein. It affects a nucleotide within the consensus splice site. This variant is present in population databases (rs770005365, gnomAD 0.005%). This variant has not been reported in the literature in individuals affected with MYPN-related conditions. ClinVar contains an entry for this variant (Variation ID: 950524). Variants that disrupt the consensus splice site are a relatively common cause of aberrant splicing (PMID: 17576681, 9536098). Algorithms developed to predict the effect of sequence changes on RNA splicing suggest that this variant may disrupt the consensus splice site. In summary, the available evidence is currently insufficient to determine the role of this variant in disease. Therefore, it has been classified as a Variant of Uncertain Significance.

Fulgent Genetics
Classification: Uncertain significance for Dilated cardiomyopathy 1KK; MYPN-related myopathy. Last evaluated: 2021-08-06. Review status: criteria provided, single submitter. Criteria: ACMG Guidelines, 2015. Collection method: clinical testing. Allele origin: unknown.

Literature cited by the submitters: PubMed 17576681 (cited by Labcorp Genetics (formerly Invitae), Labcorp); PubMed 9536098 (cited by Labcorp Genetics (formerly Invitae), Labcorp).